The following is an entry in ClinVar:

NM_000368.5(TSC1):c.430C>G (p.Pro144Ala)

Gene: TSC1 (TSC complex subunit 1; minus strand). Cytogenetic location: 9q34.13.
Variant type: single nucleotide variant.
Coding change: c.430C>G on transcript NM_000368.5 (MANE Select); coding-DNA position 430, C replaced by G.
Protein change: p.Pro144Ala; replaces proline 144 with alanine.
Molecular consequence: missense variant.
Genome position (GRCh38, 1-based): chr9:132,923,426, G>C on the plus strand (C>G on the coding strand, the complement: TSC1 is on the minus strand). VCF-style: chr9-132923426-G-C. GRCh37 (hg19) VCF-style: chr9-135798813-G-C.
Other names: c.430C>G, p.Pro144Ala (NM_001162426.2); c.277C>G, p.Pro93Ala (NM_001162427.2); c.67C>G, p.Pro23Ala (NM_001362177.2); c.430C>G (NM_000368.4); short protein forms P144A, P23A, P93A.
Identifiers: ClinVar variation 1350275 (VCV001350275.10), dbSNP rs2132190386, ClinGen allele CA375373467.
Genomic context (GRCh38, chr9:132,923,426, plus strand): 5'-ATGATGACAGACGGCCAAAAATGTCAAAGAAATCAAGAAGATGCTGTTTCCCAGACTGTG[G>C]AATCATTGGTAGCATGGTTATCAACACCAAGACGCCTGTTGTGAGGACAACGACGTCAGT-3'
Protein context (NP_000359.1, residues 134-154): LVLITMLPMI[Pro144Ala]QSGKQHLLDF

ClinVar aggregate classification (germline): Uncertain significance. Review status: criteria provided, multiple submitters, no conflicts (2 of 4 stars). 2 submissions from 2 submitters: Uncertain significance (2). Last evaluated 2026-08-11.

Conditions:
Hereditary cancer-predisposing syndrome. Also called: Hereditary Cancer Syndrome; Neoplastic Syndromes, Hereditary; Hereditary neoplastic syndrome; Tumor predisposition. Identifiers: Orphanet 140162, MedGen C0027672, MeSH D009386, MONDO:0015356.
Tuberous sclerosis 1 (TSC1). Identifiers: Orphanet 805, MedGen C1854465, MONDO:0008612, OMIM 191100.

Submissions (2):

Ambry Genetics
Classification: Uncertain significance for Hereditary cancer-predisposing syndrome. Last evaluated: 2026-08-11. Review status: criteria provided, single submitter. Criteria: Ambry Variant Classification Scheme 2023. Collection method: clinical testing. Allele origin: germline.
Comment: The p.P144A variant (also known as c.430C>G), located in coding exon 4 of the TSC1 gene, results from a C to G substitution at nucleotide position 430. The proline at codon 144 is replaced by alanine, an amino acid with highly similar properties. This amino acid position is conserved. In addition, this alteration is predicted to be deleterious by in silico analysis. Since supporting evidence is limited at this time, the clinical significance of this alteration remains unclear.

Labcorp Genetics (formerly Invitae), Labcorp
Classification: Uncertain significance for Tuberous sclerosis 1. Last evaluated: 2021-04-30. Review status: criteria provided, single submitter. Criteria: Invitae Variant Classification Sherloc (09022015). Collection method: clinical testing. Allele origin: germline.
Comment: This sequence change replaces proline with alanine at codon 144 of the TSC1 protein (p.Pro144Ala). The proline residue is highly conserved and there is a small physicochemical difference between proline and alanine. This variant has not been reported in the literature in individuals with TSC1-related conditions. This variant is not present in population databases (ExAC no frequency). Algorithms developed to predict the effect of missense changes on protein structure and function are either unavailable or do not agree on the potential impact of this missense change (SIFT: "Deleterious"; PolyPhen-2: "Probably Damaging"; Align-GVGD: "Class C0"). In summary, the available evidence is currently insufficient to determine the role of this variant in disease. Therefore, it has been classified as a Variant of Uncertain Significance.